The following is an entry in ClinVar:

NM_144997.7(FLCN):c.606C>T (p.Gly202=)

Gene: FLCN (folliculin; minus strand). Cytogenetic location: 17p11.2.
Variant type: single nucleotide variant.
Coding change: c.606C>T on transcript NM_144997.7 (MANE Select); coding-DNA position 606, C replaced by T.
Protein change: p.Gly202=; no amino-acid change (glycine 202 retained).
Molecular consequence: synonymous variant.
Genome position (GRCh38, 1-based): chr17:17,223,934, G>A on the plus strand (C>T on the coding strand, the complement: FLCN is on the minus strand). VCF-style: chr17-17223934-G-A. GRCh37 (hg19) VCF-style: chr17-17127248-G-A.
Other names: c.660C>T, p.Gly220= (NM_001353229.2); c.606C>T, p.Gly202= (NM_001353230.2, NM_001353231.2, NM_144606.7).
Identifiers: ClinVar variation 1320723 (VCV001320723.12), dbSNP rs1390776085, ClinGen allele CA498166015.

ClinVar aggregate classification (germline): Uncertain significance. Review status: criteria provided, multiple submitters, no conflicts (2 of 4 stars). 4 submissions from 4 submitters: Uncertain significance (3). 1 of the submissions does not count toward it. Last evaluated 2026-02-20.

Conditions:
Birt-Hogg-Dube syndrome. Also called: Birt Hogg Dubé syndrome. Identifiers: Orphanet 122, MedGen C0346010, MONDO:0800444.
Hereditary cancer-predisposing syndrome. Also called: Hereditary neoplastic syndrome; Tumor predisposition; Neoplastic Syndromes, Hereditary; Hereditary Cancer Syndrome. Identifiers: Orphanet 140162, MedGen C0027672, MeSH D009386, MONDO:0015356.
FLCN-related disorder. Also called: FLCN-related condition.

Allele frequency attached by ClinVar (database versions not stated): gnomAD exomes below 0.00001.

Submissions (4):

Ambry Genetics
Classification: Uncertain significance for Hereditary cancer-predisposing syndrome. Last evaluated: 2026-02-20. Review status: criteria provided, single submitter. Criteria: Ambry Variant Classification Scheme 2023. Collection method: clinical testing. Allele origin: germline.
Comment: The c.606C>T variant (also known as p.G202G), located in coding exon 3 of the FLCN gene, results from a C to T substitution at nucleotide position 606. This nucleotide substitution does not change the glycine at codon 202. This nucleotide position is highly conserved in available vertebrate species. In silico splice site analysis predicts that this alteration will weaken the native splice donor site and will result in the creation or strengthening of a novel splice donor site. RNA studies have demonstrated that this variant results in an incomplete splice defect; the clinical impact of this abnormal splicing is unknown at this time (Ambry internal data). Based on the available evidence, the clinical significance of this alteration remains unclear.

Labcorp Genetics (formerly Invitae), Labcorp
Classification: Uncertain significance for Birt-Hogg-Dube syndrome. Last evaluated: 2025-12-05. Review status: criteria provided, single submitter. Criteria: Invitae Variant Classification Sherloc (09022015). Collection method: clinical testing. Allele origin: germline.
Comment: This sequence change affects codon 202 of the FLCN mRNA. It is a 'silent' change, meaning that it does not change the encoded amino acid sequence of the FLCN protein. RNA analysis indicates that this variant induces altered splicing and may result in an absent or altered protein product. This variant is present in population databases (no rsID available, gnomAD 0.0009%). This variant has not been reported in the literature in individuals affected with FLCN-related conditions. ClinVar contains an entry for this variant (Variation ID: 1320723). Studies have shown that this variant results in activation of a cryptic splice site, and produces a non-functional protein and/or introduces a premature termination codon (internal data). In summary, the available evidence is currently insufficient to determine the role of this variant in disease. Therefore, it has been classified as a Variant of Uncertain Significance.

GeneDx
Classification: Uncertain significance. Last evaluated: 2020-02-13. Review status: criteria provided, single submitter. Criteria: GeneDx Variant Classification Process June 2021. Collection method: clinical testing. Allele origin: germline. Affected: yes.
Comment: Not observed at a significant frequency in large population cohorts (Lek et al., 2016); In silico analysis, which includes splice predictors and evolutionary conservation, supports a deleterious effect; Has not been previously published as pathogenic or benign to our knowledge

PreventionGenetics, part of Exact Sciences
Classification: Uncertain significance for FLCN-related condition. Last evaluated: 2024-08-05. Review status: no assertion criteria provided. Collection method: clinical testing. Allele origin: germline. Not counted in ClinVar's aggregate classification.
Comment: The FLCN c.606C>T is a noncoding alteration. This variant is predicted to alter splicing based on available splicing prediction programs (SpliceAI, Jaganathan et al. 2019. PubMed ID: 30661751), however, such computer prediction programs are imperfect. To our knowledge, this variant has not been reported in the literature. This variant is reported in 0.00089% of alleles in individuals of European (Non-Finnish) descent in gnomAD and is classified as a variant of uncertain significance in ClinVar. At this time, the clinical significance of this variant is uncertain due to the absence of conclusive functional and genetic evidence.